The following is an entry in ClinVar:

ClinVar aggregate classification (germline): Uncertain significance. Review status: criteria provided, multiple submitters, no conflicts (2 of 4 stars). 2 submissions from 2 submitters: Uncertain significance (2). Last evaluated 2025-12-27.

Conditions:
Malignant hyperthermia, susceptibility to, 1 (MHS1). Also called: Anesthesia related hyperthermia; Malignant hyperpyrexia; Fulminating hyperpyrexia; Pharmacogenic myopathy; Malignant hyperthermia suceptibility 1; RYR1-Related Malignant Hyperthermia Susceptibility. Identifiers: Orphanet 423, MedGen C2930980, MONDO:0007783, OMIM 145600.
RYR1-related disorder. Also called: RYR1-related disorders; RYR1-related condition. Identifiers: MedGen CN239331.

Submissions (2):

Labcorp Genetics (formerly Invitae), Labcorp
Classification: Uncertain significance for RYR1-related disorder. Last evaluated: 2025-12-27. Review status: criteria provided, single submitter. Criteria: Invitae Variant Classification Sherloc (09022015). Collection method: clinical testing. Allele origin: germline.
Comment: This sequence change replaces alanine, which is neutral and non-polar, with valine, which is neutral and non-polar, at codon 3724 of the RYR1 protein (p.Ala3724Val). This variant is not present in population databases (gnomAD no frequency). This variant has not been reported in the literature in individuals affected with RYR1-related conditions. ClinVar contains an entry for this variant (Variation ID: 3385550). Invitae Evidence Modeling of protein sequence and biophysical properties (such as structural, functional, and spatial information, amino acid conservation, physicochemical variation, residue mobility, and thermodynamic stability) indicates that this missense variant is not expected to disrupt RYR1 protein function with a negative predictive value of 80%. In summary, the available evidence is currently insufficient to determine the role of this variant in disease. Therefore, it has been classified as a Variant of Uncertain Significance.

All of Us Research Program, National Institutes of Health
Classification: Uncertain significance for Malignant hyperthermia, susceptibility to, 1. Last evaluated: 2024-02-22. Review status: criteria provided, single submitter. Criteria: ACMG Guidelines, 2015. Collection method: clinical testing. Allele origin: germline. Inheritance: Autosomal dominant inheritance. Observed: 1 variant allele, 1 heterozygote.
Comment: This missense variant replaces alanine with valine at codon 3724 of the RYR1 protein. Computational prediction is inconclusive regarding the impact of this variant on protein structure and function (internally defined REVEL score threshold 0.5 < inconclusive < 0.7, PMID: 27666373). To our knowledge, functional studies have not been reported for this variant. This variant has not been reported in individuals affected with RYR1-related disorders in the literature. This variant has not been identified in the general population by the Genome Aggregation Database (gnomAD). The available evidence is insufficient to determine the role of this variant in disease conclusively. Therefore, this variant is classified as a Variant of Uncertain Significance.

This study involves interpretation of variants in research participants for the purpose of population health screening. Participant phenotype was not available at the time of variant classification. Additional details can be found in publication PMID: 35346344, PMCID: PMC8962531

NM_000540.3(RYR1):c.11171C>T (p.Ala3724Val)

Gene: RYR1 (ryanodine receptor 1; plus strand). Cytogenetic location: 19q13.2.
Variant type: single nucleotide variant.
Coding change: c.11171C>T on transcript NM_000540.3 (MANE Select); coding-DNA position 11171, C replaced by T.
Protein change: p.Ala3724Val; replaces alanine 3724 with valine.
Molecular consequence: missense variant.
Genome position (GRCh38, 1-based): chr19:38,532,519, C>T. VCF-style: chr19-38532519-C-T. GRCh37 (hg19) VCF-style: chr19-39023159-C-T.
Other names: c.11156C>T, p.Ala3719Val (NM_001042723.2); short protein forms A3719V, A3724V.
Identifiers: ClinVar variation 3385550 (VCV003385550.2).